The following is an entry in ClinVar:

NM_024675.4(PALB2):c.2053A>G (p.Lys685Glu)

Gene: PALB2 (partner and localizer of BRCA2; minus strand). Cytogenetic location: 16p12.2.
Variant type: single nucleotide variant.
Coding change: c.2053A>G on transcript NM_024675.4 (MANE Select); coding-DNA position 2053, A replaced by G.
Protein change: p.Lys685Glu; replaces lysine 685 with glutamic acid.
Molecular consequence: missense variant.
Genome position (GRCh38, 1-based): chr16:23,630,101, T>C on the plus strand (A>G on the coding strand, the complement: PALB2 is on the minus strand). VCF-style: chr16-23630101-T-C. GRCh37 (hg19) VCF-style: chr16-23641422-T-C.
Other names: short protein forms K685E.
Identifiers: ClinVar variation 233422 (VCV000233422.23), dbSNP rs876660397, ClinGen allele CA7963630.

ClinVar aggregate classification (germline): Uncertain significance. Review status: criteria provided, multiple submitters, no conflicts (2 of 4 stars). 5 submissions from 5 submitters: Uncertain significance (5). Last evaluated 2025-11-10.

Conditions:
Familial cancer of breast. Also called: BREAST CANCER, FAMILIAL; hereditary breast carcinoma; Hereditary breast cancer. Identifiers: Orphanet 227535, MedGen C0346153, MONDO:0016419, OMIM 114480. Disease mechanism: loss of function.
Hereditary cancer-predisposing syndrome. Also called: Neoplastic Syndromes, Hereditary; Tumor predisposition; Hereditary Cancer Syndrome; Hereditary neoplastic syndrome. Identifiers: Orphanet 140162, MedGen C0027672, MeSH D009386, MONDO:0015356.

Allele frequency attached by ClinVar (database versions not stated): ExAC 0.00001; TOPMed 0.00001.
gnomAD v4.1: 2 of 1,614,188 alleles (0.00012%); highest among the groups gnomAD compares: Non-Finnish European, 0.00017%; no homozygotes.

Submissions (5):

Labcorp Genetics (formerly Invitae), Labcorp
Classification: Uncertain significance for Familial cancer of breast. Last evaluated: 2025-11-10. Review status: criteria provided, single submitter. Criteria: Invitae Variant Classification Sherloc (09022015). Collection method: clinical testing. Allele origin: germline.
Comment: This sequence change replaces lysine, which is basic and polar, with glutamic acid, which is acidic and polar, at codon 685 of the PALB2 protein (p.Lys685Glu). This variant is present in population databases (no rsID available, gnomAD 0.0009%). This variant has not been reported in the literature in individuals affected with PALB2-related conditions. ClinVar contains an entry for this variant (Variation ID: 233422). Invitae Evidence Modeling of protein sequence and biophysical properties (such as structural, functional, and spatial information, amino acid conservation, physicochemical variation, residue mobility, and thermodynamic stability) indicates that this missense variant is not expected to disrupt PALB2 protein function with a negative predictive value of 80%. In summary, the available evidence is currently insufficient to determine the role of this variant in disease. Therefore, it has been classified as a Variant of Uncertain Significance.

Ambry Genetics
Classification: Uncertain significance for Hereditary cancer-predisposing syndrome. Last evaluated: 2024-09-16. Review status: criteria provided, single submitter. Criteria: Ambry Variant Classification Scheme 2023. Collection method: clinical testing. Allele origin: germline.
Comment: The p.K685E variant (also known as c.2053A>G), located in coding exon 5 of the PALB2 gene, results from an A to G substitution at nucleotide position 2053. The lysine at codon 685 is replaced by glutamic acid, an amino acid with similar properties. This amino acid position is not well conserved in available vertebrate species. In addition, this alteration is predicted to be tolerated by in silico analysis. Since supporting evidence is limited at this time, the clinical significance of this alteration remains unclear.

Women's Health and Genetics/Laboratory Corporation of America, LabCorp
Classification: Uncertain significance. Last evaluated: 2023-12-20. Review status: criteria provided, single submitter. Criteria: LabCorp Variant Classification Summary - May 2015. Collection method: clinical testing. Allele origin: germline.

Color Diagnostics, LLC DBA Color Health
Classification: Uncertain significance for Hereditary cancer-predisposing syndrome. Last evaluated: 2023-12-05. Review status: criteria provided, single submitter. Criteria: ACMG Guidelines, 2015. Collection method: clinical testing. Allele origin: germline.
Comment: This missense variant replaces lysine with glutamic acid at codon 685 of the PALB2 protein. Computational prediction suggests that this variant may not impact protein structure and function (internally defined REVEL score threshold <= 0.5, PMID: 27666373). To our knowledge, functional studies have not been reported for this variant. This variant has not been reported in individuals affected with PALB2-related disorders in the literature. This variant has been identified in 1/251460 chromosomes in the general population by the Genome Aggregation Database (gnomAD). The available evidence is insufficient to determine the role of this variant in disease conclusively. Therefore, this variant is classified as a Variant of Uncertain Significance.

Mendelics
Classification: Uncertain significance for Familial cancer of breast. Last evaluated: 2019-05-28. Review status: criteria provided, single submitter. Criteria: Mendelics Assertion Criteria 2017. Collection method: clinical testing. Allele origin: unknown.